The following is an entry in ClinVar:

ClinVar aggregate classification (germline): Uncertain significance. Review status: criteria provided, multiple submitters, no conflicts (2 of 4 stars). 2 submissions from 2 submitters: Uncertain significance (2). Last evaluated 2026-07-19.

Conditions:
Inborn genetic diseases. Identifiers: MedGen C0950123, MeSH D030342.
Seizures, benign familial infantile, 3 (BFIS3). Also called: CONVULSIONS, BENIGN FAMILIAL INFANTILE, 3; Familial neonatal seizures. Identifiers: Orphanet 140927, Orphanet 306, MedGen C1843140, MONDO:0011904, OMIM 607745.
Developmental and epileptic encephalopathy, 11 (DEE11). Also called: Early infantile epileptic encephalopathy 11. Identifiers: Orphanet 1934, MedGen C3150987, MONDO:0013388, OMIM 613721.

Allele frequency attached by ClinVar (database versions not stated): gnomAD exomes below 0.00001; ExAC 0.00001.
gnomAD v4.1: 1 of 1,614,092 alleles (0.000062%); highest among the groups gnomAD compares: Non-Finnish European, 0.000085%; no homozygotes.

Submissions (2):

Ambry Genetics
Classification: Uncertain significance for Inborn genetic diseases. Last evaluated: 2026-07-19. Review status: criteria provided, single submitter. Criteria: Ambry Variant Classification Scheme 2023. Collection method: clinical testing. Allele origin: germline.

Labcorp Genetics (formerly Invitae), Labcorp
Classification: Uncertain significance for Seizures, benign familial infantile, 3; Developmental and epileptic encephalopathy, 11. Last evaluated: 2023-12-30. Review status: criteria provided, single submitter. Criteria: Invitae Variant Classification Sherloc (09022015). Collection method: clinical testing. Allele origin: germline.
Comment: This sequence change replaces serine, which is neutral and polar, with asparagine, which is neutral and polar, at codon 1185 of the SCN2A protein (p.Ser1185Asn). This variant is present in population databases (rs764498057, gnomAD 0.0009%). This variant has not been reported in the literature in individuals affected with SCN2A-related conditions. ClinVar contains an entry for this variant (Variation ID: 1439605). Advanced modeling of protein sequence and biophysical properties (such as structural, functional, and spatial information, amino acid conservation, physicochemical variation, residue mobility, and thermodynamic stability) performed at Invitae indicates that this missense variant is not expected to disrupt SCN2A protein function with a negative predictive value of 95%. In summary, the available evidence is currently insufficient to determine the role of this variant in disease. Therefore, it has been classified as a Variant of Uncertain Significance.

NM_001040142.2(SCN2A):c.3554G>A (p.Ser1185Asn)

Gene: SCN2A (sodium voltage-gated channel alpha subunit 2; plus strand). Cytogenetic location: 2q24.3.
Variant type: single nucleotide variant.
Coding change: c.3554G>A on transcript NM_001040142.2 (MANE Select); coding-DNA position 3554, G replaced by A.
Protein change: p.Ser1185Asn; replaces serine 1185 with asparagine.
Molecular consequence: missense variant.
Genome position (GRCh38, 1-based): chr2:165,367,250, G>A. VCF-style: chr2-165367250-G-A. GRCh37 (hg19) VCF-style: chr2-166223760-G-A.
Other names: c.3554G>A, p.Ser1185Asn (NM_001040143.2, NM_001371246.1, NM_001371247.1 and 1 more transcripts); c.3554G>A (NM_021007.2); short protein forms S1185N.
Identifiers: ClinVar variation 1439605 (VCV001439605.7), dbSNP rs764498057, ClinGen allele CA1940136.